The following is an entry in ClinVar:

NM_001040108.2(MLH3):c.447del (p.Val148_Tyr149insTer)

Gene: MLH3 (mutL homolog 3; minus strand). Cytogenetic location: 14q24.3.
Variant type: Deletion.
Coding change: c.447del on transcript NM_001040108.2 (MANE Select); coding-DNA position 447, one base deleted (T; older notation c.447delT).
Protein change: p.Val148_Tyr149insTer.
Molecular consequence: nonsense.
Genome position (GRCh38, 1-based): chr14:75,049,209, A deleted on the plus strand (T on the coding strand, the reverse complement: MLH3 is on the minus strand). VCF-style (leftmost placement, unchanged base first): chr14-75049208-TA-T. GRCh37 (hg19) VCF-style: chr14-75515911-TA-T.
Other names: c.447del, p.Val148_Tyr149insTer (NM_014381.3).
Identifiers: ClinVar variation 3873466 (VCV003873466.2).

ClinVar aggregate classification (germline): Pathogenic (1 of 4 stars; one submission).

Submission:

Ambry Genetics
Classification: Pathogenic. Last evaluated: 2026-05-29. Review status: criteria provided, single submitter. Criteria: Ambry Variant Classification Scheme 2023. Collection method: clinical testing. Allele origin: germline.
Comment: The c.447delT pathogenic mutation, located in coding exon 1 of the MLH3 gene, results from a deletion of one nucleotide at nucleotide position 447, causing a translational frameshift with a predicted alternate stop codon (p.Y149*). This alteration is expected to result in loss of function by premature protein truncation or nonsense-mediated mRNA decay. As such, this alteration is interpreted as a disease-causing mutation.